The following is an entry in ClinVar:

ClinVar aggregate classification (germline): Likely pathogenic (1 of 4 stars; one submission).

Allele frequency attached by ClinVar (database versions not stated): gnomAD exomes below 0.00001.

Submission:

GeneDx
Classification: Likely pathogenic. Last evaluated: 2018-07-19. Review status: criteria provided, single submitter. Criteria: GeneDx Variant Classification (06012015). Collection method: clinical testing. Allele origin: germline. Affected: yes.
Comment: The c.10_11delAA variant has not been published as a pathogenic variant, nor has it been reported as a benign variant to our knowledge. The c.10_11delAA variant is not observed in large population cohorts (Lek et al., 2016). The c.10_11delAA variant causes a frameshift starting with codon Lysine 4, changes this amino acid to a Glutamic acid residue, and creates a premature Stop codon at position 57 of the new reading frame, denoted p.Lys4GlufsX57. This variant is predicted to cause loss of normal protein function either through protein truncation or nonsense-mediated mRNA decay. Therefore, this variant is likely pathogenic; however, the possibility that it is benign cannot be excluded.

NM_030632.3(ASXL3):c.10_11del (p.Lys4fs)

Gene: ASXL3 (ASXL transcriptional regulator 3; plus strand). Cytogenetic location: 18q12.1.
Variant type: Deletion.
Coding change: c.10_11del on transcript NM_030632.3 (MANE Select); coding-DNA positions 10 to 11, 2 bases deleted (AA; older notation c.10_11delAA).
Protein change: p.Lys4fs; shifts the reading frame from lysine 4.
Molecular consequence: frameshift variant.
Genome position (GRCh38, 1-based): chr18:33,578,641-33,578,642, AA deleted. VCF-style (leftmost placement, unchanged base first): chr18-33578640-CAA-C. GRCh37 (hg19) VCF-style: chr18-31158604-CAA-C.
Other names: short protein forms K4fs.
Identifiers: ClinVar variation 817736 (VCV000817736.1), dbSNP rs1599364162, ClinGen allele CA915952465.